The following is an entry in ClinVar:

NM_002295.6(RPSA):c.-8T>C

Gene: RPSA (ribosomal protein SA; plus strand). Cytogenetic location: 3p22.1.
Variant type: single nucleotide variant.
Coding change: c.-8T>C on transcript NM_002295.6 (MANE Select); 8 bases upstream of the start codon, T replaced by C.
Molecular consequence: 5 prime UTR variant.
Genome position (GRCh38, 1-based): chr3:39,407,646, T>C. VCF-style: chr3-39407646-T-C. GRCh37 (hg19) VCF-style: chr3-39449137-T-C.
Other names: c.-8T>C (NM_001304288.2).
Identifiers: ClinVar variation 403395 (VCV000403395.8), dbSNP rs1803893, ClinGen allele CA2327628.

ClinVar aggregate classification (germline): Benign/Likely benign. Review status: criteria provided, multiple submitters, no conflicts (2 of 4 stars). 4 submissions from 4 submitters: Benign (3); Likely benign (1). Last evaluated 2024-11-26.

Conditions:
Familial isolated congenital asplenia. Also called: Asplenia, isolated congenital; ASPLENIA, FAMILIAL; HYPOSPLENIA, ISOLATED CONGENITAL. Identifiers: Orphanet 101351, MedGen C0685889, MONDO:0010066, OMIM 271400.

Allele frequency attached by ClinVar (database versions not stated): 1000 Genomes Project 0.43670; 1000 Genomes Project 30x 0.44566; gnomAD exomes 0.46034; ExAC 0.46098; gnomAD 0.49630 and 0.50177; TOPMed 0.49791.
gnomAD v4.1: 774,832 of 1,581,046 alleles (49%); highest among the groups gnomAD compares: African/African-American, 53%; 193,633 homozygotes.

Submissions (4):

Blueprint Genetics
Classification: Likely benign. Last evaluated: 2024-11-26. Review status: criteria provided, single submitter. Criteria: ACMG Guidelines, 2015. Collection method: clinical testing. Allele origin: germline.

Genome-Nilou Lab
Classification: Benign for Familial isolated congenital asplenia. Last evaluated: 2021-11-07. Review status: criteria provided, single submitter. Criteria: ACMG Guidelines, 2015. Collection method: clinical testing. Allele origin: germline. Affected: no.

Laboratory for Molecular Medicine, Mass General Brigham Personalized Medicine
Classification: Benign. Last evaluated: 2016-03-28. Review status: criteria provided, single submitter. Criteria: LMM Criteria. Collection method: clinical testing. Allele origin: germline.
Comment: Variant identified in a genome or exome case(s) and assessed due to predicted null impact of the variant or pathogenic assertions in the literature or databases. Disclaimer: This variant has not undergone full assessment. The following are preliminary notes: Frequency

Breakthrough Genomics
Classification: Benign. Review status: criteria provided, single submitter. Criteria: ACMG Guidelines, 2015. Collection method: not provided. Allele origin: germline. Inheritance: Autosomal dominant inheritance. Affected: yes.